The following is an entry in ClinVar:

ClinVar aggregate classification (germline): Uncertain significance (1 of 4 stars; one submission).

Conditions:
Luscan-Lumish syndrome. Identifiers: Orphanet 597738, MedGen C4085873, MONDO:0014791, OMIM 616831.

Allele frequency attached by ClinVar (database versions not stated): TOPMed 0.00001.

Submission:

Victorian Clinical Genetics Services, Murdoch Childrens Research Institute
Classification: Uncertain significance for Luscan-Lumish syndrome. Last evaluated: 2019-08-28. Review status: criteria provided, single submitter. Criteria: ACMG Guidelines, 2015. Collection method: clinical testing. Allele origin: germline. Inheritance: Autosomal dominant inheritance. Affected: yes.
Comment: A heterozygous missense variant, NM_014159.6(SETD2):c.1417A>G, has been identified in exon Exon 3 of 21 of the SETD2 gene. The variant is predicted to result in a minor amino acid change from threonine to alanine at position 473 of the protein (NP_054878.5(SETD2):p.(Thr473Ala)). The threonine residue at this position has high conservation (100 vertebrates, UCSC), but is not located within a well established functional domain. In silico predictions of pathogenicity for this variant are conflicting (Polyphen, SIFT, CADD, Mutation Taster). The variant is absent in the gnomAD population database. This variant has not been previously reported in clinical cases. Based on the information available at the time of curation, this variant has been classified as VARIANT of UNCERTAIN SIGNIFICANCE (VUS).

NM_014159.7(SETD2):c.1417A>G (p.Thr473Ala)

Gene: SETD2 (SET domain containing 2, histone lysine methyltransferase; minus strand). Cytogenetic location: 3p21.31.
Variant type: single nucleotide variant.
Coding change: c.1417A>G on transcript NM_014159.7 (MANE Select); coding-DNA position 1417, A replaced by G.
Protein change: p.Thr473Ala; replaces threonine 473 with alanine.
Molecular consequence: missense variant. On other transcripts: non-coding transcript variant (1).
Genome position (GRCh38, 1-based): chr3:47,123,219, T>C on the plus strand (A>G on the coding strand, the complement: SETD2 is on the minus strand). VCF-style: chr3-47123219-T-C. GRCh37 (hg19) VCF-style: chr3-47164709-T-C.
Other names: c.1285A>G, p.Thr429Ala (NM_001349370.3); short protein forms T429A, T473A.
Identifiers: ClinVar variation 1806362 (VCV001806362.1), dbSNP rs2043178029, ClinGen allele CA352530732.